The following is an entry in ClinVar:

ClinVar aggregate classification (germline): Uncertain significance (1 of 4 stars; one submission).

Conditions:
Kniest dysplasia. Identifiers: Orphanet 485, MedGen C0265279, MONDO:0007987, OMIM 156550.

Submission:

3billion
Classification: Uncertain significance for Kniest dysplasia. Last evaluated: 2024-01-19. Review status: criteria provided, single submitter. Criteria: ACMG Guidelines, 2015. Collection method: clinical testing. Allele origin: germline. Affected: yes.
Comment: The variant is not observed in the gnomAD v2.1.1 dataset. Predicted Consequence/Location: Missense variant In silico tool predictions suggest damaging effect of the variant on gene or gene product [REVEL: 0.91 (>=0.6, sensitivity 0.68 and specificity 0.92); 3Cnet: 0.63 (>=0.6, sensitivity 0.72 and precision 0.9)]. Therefore, this variant is classified as VUS according to the recommendation of ACMG/AMP guideline.

NM_001844.5(COL2A1):c.3416A>G (p.Gln1139Arg)

Gene: COL2A1 (collagen type II alpha 1 chain; minus strand). Cytogenetic location: 12q13.11.
Variant type: single nucleotide variant.
Coding change: c.3416A>G on transcript NM_001844.5 (MANE Select); coding-DNA position 3416, A replaced by G.
Protein change: p.Gln1139Arg; replaces glutamine 1139 with arginine.
Molecular consequence: missense variant.
Genome position (GRCh38, 1-based): chr12:47,976,831, T>C on the plus strand (A>G on the coding strand, the complement: COL2A1 is on the minus strand). VCF-style: chr12-47976831-T-C. GRCh37 (hg19) VCF-style: chr12-48370614-T-C.
Other names: c.3209A>G, p.Gln1070Arg (NM_033150.3); short protein forms Q1070R, Q1139R.
Identifiers: ClinVar variation 3775295 (VCV003775295.1).